The following is an entry in ClinVar:

ClinVar aggregate classification (germline): Pathogenic. Review status: criteria provided, multiple submitters, no conflicts (2 of 4 stars). 6 submissions from 6 submitters: Pathogenic (3). 3 of the submissions do not count toward it. Last evaluated 2025-09-08.

Conditions:
Friedreich ataxia 1 (FRDA1). Identifiers: Orphanet 95, MedGen C1856689, MONDO:0100340, OMIM 229300.
Friedreich ataxia (FRDA). Also called: Friedreich's ataxia; Spinocerebellar ataxia, Friedreich; Hereditary spinal sclerosis; Hereditary spinal ataxia. Identifiers: Orphanet 95, MedGen C0016719, MONDO:0100339, MONDO:0009245.

Allele frequency attached by ClinVar (database versions not stated): gnomAD exomes 0.00001; ExAC 0.00010; gnomAD 0.00001; TOPMed 0.00001.

Submissions (6):

Mayo Clinic Laboratories, Mayo Clinic
Classification: Pathogenic. Last evaluated: 2025-09-08. Review status: criteria provided, single submitter. Criteria: ACMG Guidelines, 2015. Collection method: clinical testing. Allele origin: germline. Observed: 1 variant allele.
Comment: PM2_supporting, PM3_strong, PS4_moderate, PVS1_strong

Laboratory for Molecular Medicine, Mass General Brigham Personalized Medicine
Classification: Pathogenic for Friedreich ataxia. Last evaluated: 2022-04-12. Review status: criteria provided, single submitter. Criteria: ACMG Guidelines, 2015. Collection method: clinical testing. Allele origin: germline. Inheritance: Autosomal recessive inheritance.
Comment: The c.3G>T (p.Met1?) variant in FXN has been reported in five individuals with Friedreich ataxia who are compound heterozygous with a pathogenic GAA repeat expansion and segregated with disease in one affected individual from one family (Cossee 1997 PMID: 9090376, Zuhlke 1998 PMID: 9737785). It has also been identified 0.002% (1/41092) of European chromosomes by gnomAD. This variant has also been reported in ClinVar as pathogenic (Variation ID 3983). This variant affects the translation initiation start codon (ATG) and is predicted to lead to a shortened protein that is <75% of the length of the full protein. Multiple additional variants with the same effect (p.Met1?) have been reported with pathogenic GAA repeat expansions in individuals with Friedreich ataxia (Cossee 1999 PMID: 9989622, Potter 2000 PMID: 10913738). In summary, this variant meets criteria to be classified as pathogenic for autosomal recessive Friedreich ataxia. ACMG/AMP Criteria applied: PM3_VeryStrong, PM1, PVS1_Moderate, PM2_Supporting, PP1.

Athena Diagnostics
Classification: Pathogenic. Last evaluated: 2022-01-24. Review status: criteria provided, single submitter. Criteria: Athena Diagnostics Criteria. Collection method: clinical testing. Allele origin: unknown.
Comment: The frequency of this variant in the general population is consistent with pathogenicity. This variant results in the loss of the initiator methionine codon and is predicted to interfere with protein translation. This variant has been identified in multiple unrelated individuals with clinical features associated with this gene. In multiple individuals, this variant has been seen with a single recessive pathogenic variant in the same gene, suggesting this variant may also be pathogenic.

OMIM
Classification: Pathogenic for FRIEDREICH ATAXIA. Last evaluated: 1998-07-01. Review status: no assertion criteria provided. Collection method: literature only. Allele origin: germline. Not counted in ClinVar's aggregate classification.

Genome Diagnostics Laboratory, Amsterdam University Medical Center
Classification: Pathogenic. Review status: no assertion criteria provided. Collection method: clinical testing. Allele origin: germline. Affected: yes. Study: VKGL Data-share Consensus. Not counted in ClinVar's aggregate classification.

Joint Genome Diagnostic Labs from Nijmegen and Maastricht, Radboudumc and MUMC+
Classification: Pathogenic. Review status: no assertion criteria provided. Collection method: clinical testing. Allele origin: germline. Affected: yes. Study: VKGL Data-share Consensus. Not counted in ClinVar's aggregate classification.

Literature cited by the submitters: PubMed 10913738 (cited by Mayo Clinic Laboratories, Mayo Clinic and Laboratory for Molecular Medicine, Mass General Brigham Personalized Medicine); PubMed 19775837 (cited by Mayo Clinic Laboratories, Mayo Clinic and Athena Diagnostics); PubMed 25566998 (cited by Mayo Clinic Laboratories, Mayo Clinic and Athena Diagnostics); PubMed 34747814 (cited by Mayo Clinic Laboratories, Mayo Clinic and Athena Diagnostics); PubMed 9090376 (cited by 3 submitters); PubMed 9737785 (cited by 4 submitters).

NM_000144.5(FXN):c.3G>T (p.Met1Ile)

Genes: FXN (frataxin; plus strand), LOC130001862 (ATAC-STARR-seq lymphoblastoid silent region 19931; plus strand). Cytogenetic location: 9q21.11.
Variant type: single nucleotide variant.
Coding change: c.3G>T on transcript NM_000144.5 (MANE Select); coding-DNA position 3, G replaced by T.
Protein change: p.Met1Ile; changes the start codon (methionine 1).
Molecular consequence: missense variant, initiator codon variant.
Genome position (GRCh38, 1-based): chr9:69,035,785, G>T. VCF-style: chr9-69035785-G-T. GRCh37 (hg19) VCF-style: chr9-71650701-G-T.
Other names: p.Met1?; c.3G>T, p.Met1Ile (NM_181425.3); short protein forms M1I.
Identifiers: ClinVar variation 3983 (VCV000003983.8), dbSNP rs104894108, ClinGen allele CA252968.
Genomic context (GRCh38, chr9:69,035,785, plus strand): 5'-AGGGGTCGCCGCAGCACCCAGCGCTGGAGGGCGGAGCGGGCGGCAGACCCGGAGCAGCAT[G>T]TGGACTCTCGGGCGCCGCGCAGTAGCCGGCCTCCTGGCGTCACCCAGCCCAGCCCAGGCC-3'
Protein context (NP_000135.2, residues 1-11): [Met1Ile]WTLGRRAVAG